The following is an entry in ClinVar:

NM_001384125.1(BLTP1):c.8854A>G (p.Thr2952Ala)

Gene: BLTP1 (bridge-like lipid transfer protein family member 1; plus strand). Cytogenetic location: 4q27.
Variant type: single nucleotide variant.
Coding change: c.8854A>G on transcript NM_001384125.1 (MANE Select); coding-DNA position 8854, A replaced by G.
Protein change: p.Thr2952Ala; replaces threonine 2952 with alanine.
Molecular consequence: missense variant.
Genome position (GRCh38, 1-based): chr4:122,281,591, A>G. VCF-style: chr4-122281591-A-G. GRCh37 (hg19) VCF-style: chr4-123202746-A-G.
Other names: c.8854A>G, p.Thr2952Ala (NM_015312.4); short protein forms T2952A.
Identifiers: ClinVar variation 3053512 (VCV003053512.2), dbSNP rs183381262, ClinGen allele CA3067271.

ClinVar aggregate classification (germline): Likely benign (0 of 4 stars; one submission).

Conditions:
BLTP1-related disorder. Also called: BLTP1-related condition.

Allele frequency attached by ClinVar (database versions not stated): 1000 Genomes Project 30x 0.00016; 1000 Genomes Project 0.00020; gnomAD exomes 0.00028; ExAC 0.00032; gnomAD 0.00060; TOPMed 0.00064; ESP Exome Variant Server 0.00111.
gnomAD v4.1: 497 of 1,613,024 alleles (0.031%); highest among the groups gnomAD compares: African/African-American, 0.15%; no homozygotes.

Submission:

PreventionGenetics, part of Exact Sciences
Classification: Likely benign for BLTP1-related condition. Last evaluated: 2022-02-17. Review status: no assertion criteria provided. Collection method: clinical testing. Allele origin: germline.
Comment: This variant is classified as likely benign based on ACMG/AMP sequence variant interpretation guidelines (Richards et al. 2015 PMID: 25741868, with internal and published modifications).